The following is an entry in ClinVar:

NM_024422.6(DSC2):c.1781T>C (p.Ile594Thr)

Gene: DSC2 (desmocollin 2; minus strand). Cytogenetic location: 18q12.1.
Variant type: single nucleotide variant.
Coding change: c.1781T>C on transcript NM_024422.6 (MANE Select); coding-DNA position 1781, T replaced by C.
Protein change: p.Ile594Thr; replaces isoleucine 594 with threonine.
Molecular consequence: missense variant.
Genome position (GRCh38, 1-based): chr18:31,074,790, A>G on the plus strand (T>C on the coding strand, the complement: DSC2 is on the minus strand). VCF-style: chr18-31074790-A-G. GRCh37 (hg19) VCF-style: chr18-28654756-A-G.
Other names: c.1781T>C, p.Ile594Thr (NM_004949.5); short protein forms I594T.
Identifiers: ClinVar variation 572623 (VCV000572623.12), dbSNP rs915888072, ClinGen allele CA297690848.

ClinVar aggregate classification (germline): Uncertain significance. Review status: criteria provided, multiple submitters, no conflicts (2 of 4 stars). 5 submissions from 5 submitters: Uncertain significance (5). Last evaluated 2025-07-14.

Conditions:
Cardiomyopathy (CMYO). Also called: Cardiomyopathies. Identifiers: Orphanet 167848, MedGen C0878544, MONDO:0004994, HP:0001638. Inheritance: Various modes of inheritance.
Arrhythmogenic right ventricular dysplasia 11. Also called: Arrhythmogenic right ventricular dysplasia 11 with mild palmoplantar keratoderma and woolly hair; Arrhythmogenic Right Ventricular Dysplasia/Cardiomyopathy11; ARRHYTHMOGENIC RIGHT VENTRICULAR DYSPLASIA, FAMILIAL, 11. Identifiers: MedGen C1864850, MONDO:0012506, OMIM 610476.
Cardiovascular phenotype. Identifiers: MedGen CN230736.

Allele frequency attached by ClinVar (database versions not stated): gnomAD exomes below 0.00001; TOPMed below 0.00001; gnomAD 0.00001.
gnomAD v4.1: 3 of 1,613,916 alleles (0.00019%); highest among the groups gnomAD compares: Non-Finnish European, 0.00025%; no homozygotes.

Submissions (5):

Color Diagnostics, LLC DBA Color Health
Classification: Uncertain significance for Cardiomyopathy. Last evaluated: 2025-07-14. Review status: criteria provided, single submitter. Criteria: ACMG Guidelines, 2015. Collection method: clinical testing. Allele origin: germline.
Comment: This missense variant replaces isoleucine with threonine at codon 594 of the DSC2 protein. Computational prediction suggests that this variant may not impact protein structure and function. To our knowledge, functional studies have not been reported for this variant. This variant has not been reported in individuals affected with DSC2-related disorders in the literature. This variant has been identified in 1/251068 chromosomes in the general population by the Genome Aggregation Database (gnomAD). The available evidence is insufficient to determine the role of this variant in disease conclusively. Therefore, this variant is classified as a Variant of Uncertain Significance.

GeneDx
Classification: Uncertain significance. Last evaluated: 2025-06-03. Review status: criteria provided, single submitter. Criteria: GeneDx Variant Classification Process June 2021. Collection method: clinical testing. Allele origin: germline. Affected: yes.
Comment: Not observed at significant frequency in large population cohorts (gnomAD); In silico analysis supports that this missense variant has a deleterious effect on protein structure/function; Has not been previously published as pathogenic or benign to our knowledge

Ambry Genetics
Classification: Uncertain significance for Cardiovascular phenotype. Last evaluated: 2023-06-13. Review status: criteria provided, single submitter. Criteria: Ambry Variant Classification Scheme 2023. Collection method: clinical testing. Allele origin: germline.

Labcorp Genetics (formerly Invitae), Labcorp
Classification: Uncertain significance for Arrhythmogenic right ventricular dysplasia 11. Last evaluated: 2021-08-27. Review status: criteria provided, single submitter. Criteria: Invitae Variant Classification Sherloc (09022015). Collection method: clinical testing. Allele origin: germline.
Comment: This sequence change replaces isoleucine with threonine at codon 594 of the DSC2 protein (p.Ile594Thr). The isoleucine residue is moderately conserved and there is a moderate physicochemical difference between isoleucine and threonine. This variant is not present in population databases (ExAC no frequency). This variant has not been reported in the literature in individuals affected with DSC2-related conditions. Algorithms developed to predict the effect of missense changes on protein structure and function are either unavailable or do not agree on the potential impact of this missense change (SIFT: "Deleterious"; PolyPhen-2: "Benign"; Align-GVGD: "Class C25"). In summary, the available evidence is currently insufficient to determine the role of this variant in disease. Therefore, it has been classified as a Variant of Uncertain Significance.

Human Genome Sequencing Center Clinical Lab, Baylor College of Medicine
Classification: Uncertain significance for Arrhythmogenic right ventricular dysplasia, type 11. Review status: criteria provided, single submitter. Criteria: ACMG Guidelines, 2015. Collection method: clinical testing. Allele origin: germline.